The following is an entry in ClinVar:

NM_022095.4(ZNF335):c.179C>T (p.Ser60Leu)

Gene: ZNF335 (zinc finger protein 335; minus strand). Cytogenetic location: 20q13.12.
Variant type: single nucleotide variant.
Coding change: c.179C>T on transcript NM_022095.4 (MANE Select); coding-DNA position 179, C replaced by T.
Protein change: p.Ser60Leu; replaces serine 60 with leucine.
Molecular consequence: missense variant.
Genome position (GRCh38, 1-based): chr20:45,971,232, G>A on the plus strand (C>T on the coding strand, the complement: ZNF335 is on the minus strand). VCF-style: chr20-45971232-G-A. GRCh37 (hg19) VCF-style: chr20-44599871-G-A.
Other names: short protein forms S60L.
Identifiers: ClinVar variation 2055244 (VCV002055244.2), dbSNP rs779021670, ClinGen allele CA9886208.
Genomic context (GRCh38, chr20:45,971,232, plus strand): 5'-TCCTTGCCTCCACCCACGCCGTCCAGCCGGGTCCATACCTGAGAACGGCTGCCGCGGTCC[G>A]AGCTTTGCCCCACGCCAGAGTCATCGGCCTCTGCCTGCCCCGGGGCGGCCGCGGCGTCGC-3'
Protein context (NP_071378.1, residues 50-70): EADDSGVGQS[Ser60Leu]DRGSRSQEEV

ClinVar aggregate classification (germline): Uncertain significance (1 of 4 stars; one submission).

Allele frequency attached by ClinVar (database versions not stated): gnomAD 0.00005; TOPMed 0.00006; gnomAD exomes 0.00010; ExAC 0.00021.

Submission:

Labcorp Genetics (formerly Invitae), Labcorp
Classification: Uncertain significance. Last evaluated: 2022-03-04. Review status: criteria provided, single submitter. Criteria: Invitae Variant Classification Sherloc (09022015). Collection method: clinical testing. Allele origin: germline.
Comment: In summary, the available evidence is currently insufficient to determine the role of this variant in disease. Therefore, it has been classified as a Variant of Uncertain Significance. Algorithms developed to predict the effect of missense changes on protein structure and function are either unavailable or do not agree on the potential impact of this missense change (SIFT: "Deleterious"; PolyPhen-2: "Benign"; Align-GVGD: "Class C0"). This variant has not been reported in the literature in individuals affected with ZNF335-related conditions. This variant is present in population databases (rs779021670, gnomAD 0.01%). This sequence change replaces serine, which is neutral and polar, with leucine, which is neutral and non-polar, at codon 60 of the ZNF335 protein (p.Ser60Leu).